The following is an entry in ClinVar:

ClinVar aggregate classification (germline): Conflicting classifications of pathogenicity. Review status: criteria provided, conflicting classifications (1 of 4 stars). 2 submissions from 2 submitters: Uncertain significance (1); Likely benign (1). Last evaluated 2025-09-03.

Conditions:
Schuurs-Hoeijmakers syndrome. Also called: PACS1-Related Neurodevelopmental Disorder. Identifiers: Orphanet 329224, MedGen C3554343, MONDO:0014006, OMIM 615009.

Allele frequency attached by ClinVar (database versions not stated): gnomAD 0.00003 and 0.00002; ESP Exome Variant Server 0.00008; gnomAD exomes 0.00001 and 0.00002; TOPMed 0.00002; ExAC 0.00003.
gnomAD v4.1: 40 of 1,614,030 alleles (0.0025%); highest among the groups gnomAD compares: Admixed American, 0.0033%; no homozygotes.

Submissions (2):

Labcorp Genetics (formerly Invitae), Labcorp
Classification: Uncertain significance for Schuurs-Hoeijmakers syndrome. Last evaluated: 2025-09-03. Review status: criteria provided, single submitter. Criteria: Invitae Variant Classification Sherloc (09022015). Collection method: clinical testing. Allele origin: germline.
Comment: This sequence change replaces arginine, which is basic and polar, with tryptophan, which is neutral and slightly polar, at codon 506 of the PACS1 protein (p.Arg506Trp). This variant is present in population databases (rs373127343, gnomAD 0.006%). This variant has not been reported in the literature in individuals affected with PACS1-related conditions. ClinVar contains an entry for this variant (Variation ID: 1186528). Invitae Evidence Modeling of protein sequence and biophysical properties (such as structural, functional, and spatial information, amino acid conservation, physicochemical variation, residue mobility, and thermodynamic stability) indicates that this missense variant is not expected to disrupt PACS1 protein function with a negative predictive value of 80%. In summary, the available evidence is currently insufficient to determine the role of this variant in disease. Therefore, it has been classified as a Variant of Uncertain Significance.

GeneDx
Classification: Likely benign. Last evaluated: 2019-03-27. Review status: criteria provided, single submitter. Criteria: GeneDx Variant Classification Process June 2021. Collection method: clinical testing. Allele origin: germline. Affected: yes.

NM_018026.4(PACS1):c.1516C>T (p.Arg506Trp)

Gene: PACS1 (phosphofurin acidic cluster sorting protein 1; plus strand). Cytogenetic location: 11q13.2.
Variant type: single nucleotide variant.
Coding change: c.1516C>T on transcript NM_018026.4 (MANE Select); coding-DNA position 1516, C replaced by T.
Protein change: p.Arg506Trp; replaces arginine 506 with tryptophan.
Molecular consequence: missense variant.
Genome position (GRCh38, 1-based): chr11:66,230,830, C>T. VCF-style: chr11-66230830-C-T. GRCh37 (hg19) VCF-style: chr11-65998301-C-T.
Other names: short protein forms R506W.
Identifiers: ClinVar variation 1186528 (VCV001186528.8), dbSNP rs373127343, ClinGen allele CA6116601.